The following is an entry in ClinVar:

ClinVar aggregate classification (germline): Uncertain significance (1 of 4 stars; one submission).

Conditions:
Cardiovascular phenotype. Identifiers: MedGen CN230736.

Allele frequency attached by ClinVar (database versions not stated): gnomAD 0.00001; gnomAD exomes 0.00002.
gnomAD v4.1: 17 of 1,207,780 alleles (0.0014%); highest among the groups gnomAD compares: South Asian, 0.0018%; no homozygotes.

Submission:

Ambry Genetics
Classification: Uncertain significance for Cardiovascular phenotype. Last evaluated: 2023-01-13. Review status: criteria provided, single submitter. Criteria: Ambry Variant Classification Scheme 2023. Collection method: clinical testing. Allele origin: germline.
Comment: The p.R3034Q variant (also known as c.9101G>A), located in coding exon 61 of the DMD gene, results from a G to A substitution at nucleotide position 9101. The arginine at codon 3034 is replaced by glutamine, an amino acid with highly similar properties. Based on data from gnomAD, the A allele has an overall frequency of 0.0006% (1/179879) total alleles studied, with no hemizygote(s) observed. The highest observed frequency was 0.0012% (1/80029) of European (non-Finnish) alleles. This amino acid position is highly conserved in available vertebrate species. In addition, the in silico prediction for this alteration is inconclusive. Since supporting evidence is limited at this time, the clinical significance of this alteration remains unclear.

NM_004006.3(DMD):c.9101G>A (p.Arg3034Gln)

Gene: DMD (dystrophin; minus strand). Cytogenetic location: Xp21.2.
Variant type: single nucleotide variant.
Coding change: c.9101G>A on transcript NM_004006.3 (MANE Select); coding-DNA position 9101, G replaced by A.
Protein change: p.Arg3034Gln; replaces arginine 3034 with glutamine.
Molecular consequence: missense variant.
Genome position (GRCh38, 1-based): chrX:31,348,618, C>T on the plus strand (G>A on the coding strand, the complement: DMD is on the minus strand). VCF-style: chrX-31348618-C-T. GRCh37 (hg19) VCF-style: chrX-31366735-C-T.
Other names: c.9077G>A, p.Arg3026Gln (NM_000109.4); c.9089G>A, p.Arg3030Gln (NM_004009.3); c.8732G>A, p.Arg2911Gln (NM_004010.3); c.5078G>A, p.Arg1693Gln (NM_004011.4); c.5069G>A, p.Arg1690Gln (NM_004012.4); c.1721G>A, p.Arg574Gln (NM_004013.3, NM_004020.4, NM_004021.3 and 2 more transcripts); c.914G>A, p.Arg305Gln (NM_004014.3); short protein forms R1690Q, R305Q, R574Q, R1693Q, R2911Q, R3026Q, R3030Q, R3034Q.
Identifiers: ClinVar variation 2450347 (VCV002450347.2), dbSNP rs1180611119, ClinGen allele CA412653783.